The following is an entry in ClinVar:

ClinVar aggregate classification (germline): Uncertain significance. Review status: criteria provided, multiple submitters, no conflicts (2 of 4 stars). 3 submissions from 3 submitters: Uncertain significance (3). Last evaluated 2024-12-11.

Allele frequency attached by ClinVar (database versions not stated): 1000 Genomes Project 30x 0.00016; gnomAD exomes 0.00019 and 0.00031; 1000 Genomes Project 0.00020; ExAC 0.00022; TOPMed 0.00025; gnomAD 0.00028; ESP Exome Variant Server 0.00054.
gnomAD v4.1: 493 of 1,614,172 alleles (0.031%); highest among the groups gnomAD compares: Non-Finnish European, 0.04%; no homozygotes.

Submissions (3):

Ambry Genetics
Classification: Uncertain significance. Last evaluated: 2024-12-11. Review status: criteria provided, single submitter. Criteria: Ambry Variant Classification Scheme 2023. Collection method: clinical testing. Allele origin: germline.

Labcorp Genetics (formerly Invitae), Labcorp
Classification: Uncertain significance. Last evaluated: 2021-08-26. Review status: criteria provided, single submitter. Criteria: Invitae Variant Classification Sherloc (09022015). Collection method: clinical testing. Allele origin: germline.
Comment: This sequence change replaces serine with glycine at codon 52 of the GRXCR2 protein (p.Ser52Gly). The serine residue is highly conserved and there is a small physicochemical difference between serine and glycine. This variant is present in population databases (rs140816500, ExAC 0.04%). This variant has not been reported in the literature in individuals affected with GRXCR2-related conditions. ClinVar contains an entry for this variant (Variation ID: 499557). Algorithms developed to predict the effect of missense changes on protein structure and function are either unavailable or do not agree on the potential impact of this missense change (SIFT: "Tolerated"; PolyPhen-2: "Possibly Damaging"; Align-GVGD: "Class C0"). In summary, the available evidence is currently insufficient to determine the role of this variant in disease. Therefore, it has been classified as a Variant of Uncertain Significance.

Eurofins Ntd Llc (ga)
Classification: Uncertain significance. Last evaluated: 2017-01-18. Review status: criteria provided, single submitter. Criteria: EGL Classification Definitions 2015. Collection method: clinical testing. Allele origin: germline. Observed: 1 variant allele, 1 heterozygote.

NM_001080516.2(GRXCR2):c.154A>G (p.Ser52Gly)

Gene: GRXCR2 (glutaredoxin and cysteine rich domain containing 2; minus strand). Cytogenetic location: 5q32.
Variant type: single nucleotide variant.
Coding change: c.154A>G on transcript NM_001080516.2 (MANE Select); coding-DNA position 154, A replaced by G.
Protein change: p.Ser52Gly; replaces serine 52 with glycine.
Molecular consequence: missense variant.
Genome position (GRCh38, 1-based): chr5:145,872,815, T>C on the plus strand (A>G on the coding strand, the complement: GRXCR2 is on the minus strand). VCF-style: chr5-145872815-T-C. GRCh37 (hg19) VCF-style: chr5-145252378-T-C.
Other names: c.154A>G (NM_001080516.1); short protein forms S52G.
Identifiers: ClinVar variation 499557 (VCV000499557.11), dbSNP rs140816500, ClinGen allele CA3488102.